The following is an entry in ClinVar:

NM_000051.4(ATM):c.7630-1G>A

Genes: ATM (ATM serine/threonine kinase; plus strand), C11orf65 (chromosome 11 open reading frame 65; minus strand). Cytogenetic location: 11q22.3.
Variant type: single nucleotide variant.
Coding change: c.7630-1G>A on transcript NM_000051.4 (MANE Select); the canonical splice acceptor site of the intron before coding-DNA position 7630, G replaced by A.
Molecular consequence: splice acceptor variant. On other transcripts: intron variant (2).
Genome position (GRCh38, 1-based): chr11:108,331,878, G>A. VCF-style: chr11-108331878-G-A. GRCh37 (hg19) VCF-style: chr11-108202605-G-A.
Other names: c.641-22807C>T (NM_001330368.2); c.*38+3342C>T (NM_001351110.2); c.7630-1G>A (NM_001351834.2).
Identifiers: ClinVar variation 969935 (VCV000969935.15), dbSNP rs2086285148, ClinGen allele CA382560884.
Genomic context (GRCh38, chr11:108,331,878, plus strand): 5'-GAAAAATATGGATTATATTTTTTTGTTTATTTGCATAAATCTAATAGTTCTTTTCTTACA[G>A]CTAATCTCTAGAATTTCAATGGATCACCCCCATCACACTTTGTTTATTATACTGGCCTTA-3'

ClinVar aggregate classification (germline): Pathogenic/Likely pathogenic. Review status: criteria provided, multiple submitters, no conflicts (2 of 4 stars). 6 submissions from 6 submitters: Pathogenic (4); Likely pathogenic (2). Last evaluated 2025-10-13.

Conditions:
Hereditary cancer-predisposing syndrome. Also called: Tumor predisposition; Neoplastic Syndromes, Hereditary; Hereditary neoplastic syndrome; Hereditary Cancer Syndrome. Identifiers: Orphanet 140162, MedGen C0027672, MeSH D009386, MONDO:0015356.
Inherited breast cancer and ovarian cancer.
Ataxia-telangiectasia syndrome (AT). Also called: Ataxia-telangiectasia, complementation group D; AT, COMPLEMENTATION GROUP C; ATAXIA-TELANGIECTASIA, COMPLEMENTATION GROUP A; ATAXIA-TELANGIECTASIA, FRESNO VARIANT; Ataxia-telangiectasia; Ataxia telangiectasia (A-T). Identifiers: Orphanet 100, MedGen C0004135, MONDO:0008840, OMIM 208900.
Malignant tumor of breast. Also called: Malignant breast neoplasm; Cancer breast. Identifiers: MedGen C0006142, MONDO:0007254. Disease mechanism: loss of function.
Familial cancer of breast. Also called: Hereditary breast cancer; hereditary breast carcinoma; BREAST CANCER, FAMILIAL. Identifiers: Orphanet 227535, MedGen C0346153, MONDO:0016419, OMIM 114480. Disease mechanism: loss of function.

Allele frequency attached by ClinVar (database versions not stated): gnomAD exomes below 0.00001.
gnomAD v4.1: 1 of 1,613,100 alleles (0.000062%); highest among the groups gnomAD compares: Non-Finnish European, 0.000085%; no homozygotes.

Submissions (6):

Women's Health and Genetics/Laboratory Corporation of America, LabCorp
Classification: Pathogenic for Malignant tumor of breast. Last evaluated: 2025-10-13. Review status: criteria provided, single submitter. Criteria: LabCorp Variant Classification Summary - May 2015. Collection method: clinical testing. Allele origin: germline.
Comment: Variant summary: ATM c.7630-1G>A is located in a canonical splice-site and is predicted to affect mRNA splicing resulting in a significantly altered protein due to either exon skipping, shortening, or inclusion of intronic material. Variants that disrupt the consensus splice site are a relatively common cause of aberrant splicing and loss of ATM function. Several computational tools predict a significant impact on normal splicing: Four predict the variant abolishes a canonical 5' splicing donor site. However, these predictions have yet to be confirmed by functional studies. The variant was absent in 251132 control chromosomes. c.7630-1G>A has been observed in individual(s) affected with Prostate Cancer (example: Ruan_2023 ). The following publication has been ascertained in the context of this evaluation (PMID: 37415201). ClinVar contains an entry for this variant (Variation ID: 969935). Based on the evidence outlined above, the variant was classified as pathogenic.

Cambridge Genomics Laboratory, East Genomic Laboratory Hub, NHS Genomic Medicine Service
Classification: Pathogenic for Inherited breast cancer and ovarian cancer. Last evaluated: 2024-07-10. Review status: criteria provided, single submitter. Criteria: ACGS Best Practice Guidelines for Variant Classification in Rare Disease 2020. Collection method: clinical testing. Allele origin: germline. Affected: yes.
Comment: PVS1,PS1_Supporting,PM2_Supporting

Ambry Genetics
Classification: Likely pathogenic for Hereditary cancer-predisposing syndrome. Last evaluated: 2024-04-29. Review status: criteria provided, single submitter. Criteria: Ambry Variant Classification Scheme 2023. Collection method: clinical testing. Allele origin: germline.
Comment: The c.7630-1G>A intronic variant results from a G to A substitution one nucleotide upstream from coding exon 51 of the ATM gene. This variant is considered to be rare based on population cohorts in the Genome Aggregation Database (gnomAD). In silico splice site analysis predicts that this alteration will weaken the native splice acceptor site and may result in the creation or strengthening of a novel splice acceptor site. RNA studies have demonstrated that this alteration results in abnormal splicing in the set of samples tested (Ambry internal data). Alterations that disrupt the canonical splice site are expected to cause aberrant splicing, resulting in an abnormal protein or a transcript that is subject to nonsense-mediated mRNA decay. As such, this alteration is classified as likely pathogenic.

Labcorp Genetics (formerly Invitae), Labcorp
Classification: Pathogenic for Ataxia-telangiectasia syndrome. Last evaluated: 2024-02-20. Review status: criteria provided, single submitter. Criteria: Invitae Variant Classification Sherloc (09022015). Collection method: clinical testing. Allele origin: germline.
Comment: This sequence change affects an acceptor splice site in intron 51 of the ATM gene. RNA analysis indicates that disruption of this splice site induces altered splicing and may result in an absent or disrupted protein product. This variant is not present in population databases (gnomAD no frequency). Disruption of this splice site has been observed in individual(s) with breast cancer and ataxia-telangiectasia (PMID: 9443866, 9887333, 21833744, 25374739, 26681312). In at least one individual the data is consistent with being in trans (on the opposite chromosome) from a pathogenic variant. ClinVar contains an entry for this variant (Variation ID: 969935). Studies have shown that disruption of this splice site results in skipping of exon 52 and activation of a cryptic splice site and introduces a premature termination codon (PMID: 9887333; Invitae). The resulting mRNA is expected to undergo nonsense-mediated decay. For these reasons, this variant has been classified as Pathogenic.

Myriad Genetics, Inc.
Classification: Pathogenic for Familial cancer of breast. Last evaluated: 2024-02-02. Review status: criteria provided, single submitter. Criteria: Myriad Autosomal Dominant, Autosomal Recessive and X-Linked Classification Criteria (2023). Collection method: clinical testing. Allele origin: unknown.
Comment: This variant is considered pathogenic. This variant occurs within a consensus splice junction and is predicted to result in abnormal mRNA splicing of either an out-of-frame exon or an in-frame exon necessary for protein stability and/or normal function. This variant has been reported in multiple individuals with clinical features of gene-specific disease [PMID: 9443866, 9887333, 10330348]. Functional studies indicate this variant impacts protein function [PMID: 9443866, 9887333, 10330348].

Baylor Genetics
Classification: Likely pathogenic for Familial cancer of breast. Last evaluated: 2024-01-22. Review status: criteria provided, single submitter. Criteria: ACMG Guidelines, 2015. Collection method: clinical testing. Allele origin: unknown.

Literature cited by the submitters: PubMed 37415201 (cited by Women's Health and Genetics/Laboratory Corporation of America, LabCorp); PubMed 9443866 (cited by Labcorp Genetics (formerly Invitae), Labcorp and Myriad Genetics, Inc.); PubMed 9887333 (cited by Labcorp Genetics (formerly Invitae), Labcorp and Myriad Genetics, Inc.); PubMed 21833744 (cited by Labcorp Genetics (formerly Invitae), Labcorp); PubMed 25374739 (cited by Labcorp Genetics (formerly Invitae), Labcorp); PubMed 26681312 (cited by Labcorp Genetics (formerly Invitae), Labcorp); PubMed 10330348 (cited by Myriad Genetics, Inc.).